The following is an entry in ClinVar:

ClinVar aggregate classification (germline): Uncertain significance (1 of 4 stars; one submission).

Conditions:
Hereditary cancer-predisposing syndrome. Also called: Neoplastic Syndromes, Hereditary; Tumor predisposition; Hereditary neoplastic syndrome; Hereditary Cancer Syndrome. Identifiers: Orphanet 140162, MedGen C0027672, MeSH D009386, MONDO:0015356.

Submission:

Ambry Genetics
Classification: Uncertain significance for Hereditary cancer-predisposing syndrome. Last evaluated: 2026-07-01. Review status: criteria provided, single submitter. Criteria: Ambry Variant Classification Scheme 2023. Collection method: clinical testing. Allele origin: germline.
Comment: The p.C661S variant (also known as c.1981T>A), located in coding exon 15 of the APC gene, results from a T to A substitution at nucleotide position 1981. The cysteine at codon 661 is replaced by serine, an amino acid with dissimilar properties. This amino acid position is conserved. In addition, in silico predictors for this gene do not accurately predict pathogenicity. Based on the available evidence, the clinical significance of this variant remains unclear.

NM_000038.6(APC):c.1981T>A (p.Cys661Ser)

Gene: APC (APC regulator of Wnt signaling pathway; plus strand). Cytogenetic location: 5q22.2.
Variant type: single nucleotide variant.
Coding change: c.1981T>A on transcript NM_000038.6 (MANE Select); coding-DNA position 1981, T replaced by A.
Protein change: p.Cys661Ser; replaces cysteine 661 with serine.
Molecular consequence: missense variant. On other transcripts: non-coding transcript variant (2).
Genome position (GRCh38, 1-based): chr5:112,837,575, T>A. VCF-style: chr5-112837575-T-A. GRCh37 (hg19) VCF-style: chr5-112173272-T-A.
Other names: c.1897T>A, p.Cys633Ser (NM_001354899.2); c.1858T>A, p.Cys620Ser (NM_001354900.2); c.1804T>A, p.Cys602Ser (NM_001354901.2, NM_001407453.1); c.1708T>A, p.Cys570Ser (NM_001354902.2); c.1678T>A, p.Cys560Ser (NM_001354903.2, NM_001407458.1, NM_001407459.1 and 1 more transcripts); c.1603T>A, p.Cys535Ser (NM_001354904.2); c.1501T>A, p.Cys501Ser (NM_001354905.2); c.1132T>A, p.Cys378Ser (NM_001354906.2, NM_001407470.1); and 11 more; short protein forms C501S, C578S, C633S, C636S, C661S, C378S, C535S, C570S.
Identifiers: ClinVar variation 5024766 (VCV005024766.1).